The following is an entry in ClinVar:

ClinVar aggregate classification (germline): Uncertain significance (1 of 4 stars; one submission).

Submission:

GeneDx
Classification: Uncertain significance. Last evaluated: 2024-09-26. Review status: criteria provided, single submitter. Criteria: GeneDx Variant Classification Process June 2021. Collection method: clinical testing. Allele origin: germline. Affected: yes.
Comment: Not observed at significant frequency in large population cohorts (gnomAD); In silico analysis supports that this missense variant has a deleterious effect on protein structure/function; This substitution is predicted to be within the extracellular loop between the S1 and S2 transmembrane segments of the second homologous domain; Has not been previously published as pathogenic or benign to our knowledge

NM_001040142.2(SCN2A):c.2335G>A (p.Glu779Lys)

Gene: SCN2A (sodium voltage-gated channel alpha subunit 2; plus strand). Cytogenetic location: 2q24.3.
Variant type: single nucleotide variant.
Coding change: c.2335G>A on transcript NM_001040142.2 (MANE Select); coding-DNA position 2335, G replaced by A.
Protein change: p.Glu779Lys; replaces glutamic acid 779 with lysine.
Molecular consequence: missense variant.
Genome position (GRCh38, 1-based): chr2:165,331,515, G>A. VCF-style: chr2-165331515-G-A. GRCh37 (hg19) VCF-style: chr2-166188025-G-A.
Other names: c.2335G>A, p.Glu779Lys (NM_001040143.2, NM_001371246.1, NM_001371247.1 and 1 more transcripts); short protein forms E779K.
Identifiers: ClinVar variation 3774801 (VCV003774801.1).